The following is an entry in ClinVar:

ClinVar aggregate classification (germline): Uncertain significance. Review status: criteria provided, multiple submitters, no conflicts (2 of 4 stars). 3 submissions from 3 submitters: Uncertain significance (2). 1 of the submissions does not count toward it. Last evaluated 2024-11-07.

Conditions:
Hereditary cancer-predisposing syndrome. Also called: Neoplastic Syndromes, Hereditary; Tumor predisposition; Hereditary Cancer Syndrome; Hereditary neoplastic syndrome. Identifiers: Orphanet 140162, MedGen C0027672, MeSH D009386, MONDO:0015356.
Ataxia-telangiectasia syndrome (AT). Also called: Ataxia telangiectasia (A-T); ATAXIA-TELANGIECTASIA, COMPLEMENTATION GROUP A; ATAXIA-TELANGIECTASIA, FRESNO VARIANT; Ataxia-telangiectasia; Ataxia-telangiectasia, complementation group E; LOUIS-BAR SYNDROME. Identifiers: Orphanet 100, MedGen C0004135, MONDO:0008840, OMIM 208900.

Submissions (3):

Labcorp Genetics (formerly Invitae), Labcorp
Classification: Uncertain significance for Ataxia-telangiectasia syndrome. Last evaluated: 2024-11-07. Review status: criteria provided, single submitter. Criteria: Invitae Variant Classification Sherloc (09022015). Collection method: clinical testing. Allele origin: germline.
Comment: This sequence change replaces histidine, which is basic and polar, with glutamine, which is neutral and polar, at codon 2208 of the ATM protein (p.His2208Gln). This variant is not present in population databases (gnomAD no frequency). This variant has not been reported in the literature in individuals affected with ATM-related conditions. ClinVar contains an entry for this variant (Variation ID: 1051738). Invitae Evidence Modeling of protein sequence and biophysical properties (such as structural, functional, and spatial information, amino acid conservation, physicochemical variation, residue mobility, and thermodynamic stability) indicates that this missense variant is not expected to disrupt ATM protein function with a negative predictive value of 95%. In summary, the available evidence is currently insufficient to determine the role of this variant in disease. Therefore, it has been classified as a Variant of Uncertain Significance.

Ambry Genetics
Classification: Uncertain significance for Hereditary cancer-predisposing syndrome. Last evaluated: 2023-09-10. Review status: criteria provided, single submitter. Criteria: Ambry Variant Classification Scheme 2023. Collection method: clinical testing. Allele origin: germline.
Comment: The p.H2208Q variant (also known as c.6624C>A), located in coding exon 45 of the ATM gene, results from a C to A substitution at nucleotide position 6624. The histidine at codon 2208 is replaced by glutamine, an amino acid with highly similar properties. This amino acid position is conserved. In addition, this alteration is predicted to be tolerated by in silico analysis. Since supporting evidence is limited at this time, the clinical significance of this alteration remains unclear.

Natera, Inc.
Classification: Uncertain significance for Ataxia-telangiectasia. Last evaluated: 2020-07-29. Review status: no assertion criteria provided. Collection method: clinical testing. Allele origin: germline. Not counted in ClinVar's aggregate classification.

NM_000051.4(ATM):c.6624C>A (p.His2208Gln)

Genes: ATM (ATM serine/threonine kinase; plus strand), C11orf65 (chromosome 11 open reading frame 65; minus strand). Cytogenetic location: 11q22.3.
Variant type: single nucleotide variant.
Coding change: c.6624C>A on transcript NM_000051.4 (MANE Select); coding-DNA position 6624, C replaced by A.
Protein change: p.His2208Gln; replaces histidine 2208 with glutamine.
Molecular consequence: missense variant. On other transcripts: intron variant (2).
Genome position (GRCh38, 1-based): chr11:108,325,361, C>A. VCF-style: chr11-108325361-C-A. GRCh37 (hg19) VCF-style: chr11-108196088-C-A.
Other names: c.6624C>A, p.His2208Gln (NM_001351834.2); c.641-16290G>T (NM_001330368.2); c.*38+9859G>T (NM_001351110.2); short protein forms H2208Q.
Identifiers: ClinVar variation 1051738 (VCV001051738.17), dbSNP rs2136309199, ClinGen allele CA382554758.
Genomic context (GRCh38, chr11:108,325,361, plus strand): 5'-GGCATTCAGATCAGTCACACATAGACAACTCTCTGAAGTATATATTAAGTGGCAGAAACA[C>A]TCCCAGCTTCTCAAGGACAGTGATTTTAGTTTTCAGGAGCCTATCATGGCTCTACGCACA-3'
Protein context (NP_000042.3, residues 2198-2218): LSEVYIKWQK[His2208Gln]SQLLKDSDFS